The following is an entry in ClinVar:

ClinVar aggregate classification (germline): Uncertain significance (1 of 4 stars; one submission).

Conditions:
TTC8-related disorder. Also called: TTC8-related condition.

gnomAD v4.1: 5 of 1,613,390 alleles (0.00031%); highest among the groups gnomAD compares: Non-Finnish European, 0.00042%; no homozygotes.

Submission:

PreventionGenetics, part of Exact Sciences
Classification: Uncertain significance for TTC8-related condition. Last evaluated: 2025-08-22. Review status: criteria provided, single submitter. Criteria: ACMG Guidelines, 2015. Collection method: clinical testing. Allele origin: germline.
Comment: The TTC8 c.212A>G variant is predicted to result in the amino acid substitution p.Gln71Arg. To our knowledge, this variant has not been reported in the literature or in a large population database (gnomAD), indicating this variant is rare. At this time, the clinical significance of this variant is uncertain due to the absence of conclusive functional and genetic evidence.

NM_144596.4(TTC8):c.212A>G (p.Gln71Arg)

Gene: TTC8 (tetratricopeptide repeat domain 8; plus strand). Cytogenetic location: 14q31.3.
Variant type: single nucleotide variant.
Coding change: c.212A>G on transcript NM_144596.4 (MANE Select); coding-DNA position 212, A replaced by G.
Protein change: p.Gln71Arg; replaces glutamine 71 with arginine.
Molecular consequence: missense variant. On other transcripts: 5 prime UTR variant (2), non-coding transcript variant (1).
Genome position (GRCh38, 1-based): chr14:88,839,519, A>G. VCF-style: chr14-88839519-A-G. GRCh37 (hg19) VCF-style: chr14-89305863-A-G.
Other names: c.182A>G, p.Gln61Arg (NM_001288781.1, NM_001366535.2, NM_001366536.2 and 2 more transcripts); c.-381A>G (NM_001288782.1); c.-476A>G (NM_001288783.1); short protein forms Q61R, Q71R.
Identifiers: ClinVar variation 4980802 (VCV004980802.1).